The following is an entry in ClinVar:

NM_014425.5(INVS):c.1784A>C (p.Lys595Thr)

Gene: INVS (inversin; plus strand). Cytogenetic location: 9q31.1.
Variant type: single nucleotide variant.
Coding change: c.1784A>C on transcript NM_014425.5 (MANE Select); coding-DNA position 1784, A replaced by C.
Protein change: p.Lys595Thr; replaces lysine 595 with threonine.
Molecular consequence: missense variant. On other transcripts: non-coding transcript variant (1).
Genome position (GRCh38, 1-based): chr9:100,273,076, A>C. VCF-style: chr9-100273076-A-C. GRCh37 (hg19) VCF-style: chr9-103035358-A-C.
Other names: c.1496A>C, p.Lys499Thr (NM_001318381.2); c.806A>C, p.Lys269Thr (NM_001318382.2); short protein forms K269T, K499T, K595T.
Identifiers: ClinVar variation 1052380 (VCV001052380.9), dbSNP rs2118669515, ClinGen allele CA374238775.

ClinVar aggregate classification (germline): Uncertain significance (1 of 4 stars; one submission).

Conditions:
Nephronophthisis. Also called: Juvenile Nephronophthisis. Identifiers: Orphanet 655, MedGen C0687120, MONDO:0019005, HP:0000090.

Submission:

Labcorp Genetics (formerly Invitae), Labcorp
Classification: Uncertain significance for Nephronophthisis. Last evaluated: 2022-09-13. Review status: criteria provided, single submitter. Criteria: Invitae Variant Classification Sherloc (09022015). Collection method: clinical testing. Allele origin: germline.
Comment: In summary, the available evidence is currently insufficient to determine the role of this variant in disease. Therefore, it has been classified as a Variant of Uncertain Significance. Algorithms developed to predict the effect of missense changes on protein structure and function are either unavailable or do not agree on the potential impact of this missense change (SIFT: "Deleterious"; PolyPhen-2: "Possibly Damaging"; Align-GVGD: "Class C0"). ClinVar contains an entry for this variant (Variation ID: 1052380). This variant has not been reported in the literature in individuals affected with INVS-related conditions. This variant is not present in population databases (gnomAD no frequency). This sequence change replaces lysine, which is basic and polar, with threonine, which is neutral and polar, at codon 595 of the INVS protein (p.Lys595Thr).